The following is an entry in ClinVar:

ClinVar aggregate classification (germline): Uncertain significance (1 of 4 stars; one submission).

Conditions:
Aortic aneurysm, familial thoracic 6 (AAT6). Also called: FAMILIAL THORACIC AORTIC ANEURYSM WITH LIVEDO RETICULARIS AND IRIS FLOCCULI. Identifiers: MedGen C2673186, MONDO:0012730, OMIM 611788.

Submission:

Labcorp Genetics (formerly Invitae), Labcorp
Classification: Uncertain significance for Aortic aneurysm, familial thoracic 6. Last evaluated: 2023-10-27. Review status: criteria provided, single submitter. Criteria: Invitae Variant Classification Sherloc (09022015). Collection method: clinical testing. Allele origin: germline.
Comment: This sequence change replaces threonine, which is neutral and polar, with isoleucine, which is neutral and non-polar, at codon 305 of the ACTA2 protein (p.Thr305Ile). This variant is not present in population databases (gnomAD no frequency). This variant has not been reported in the literature in individuals affected with ACTA2-related conditions. Advanced modeling of protein sequence and biophysical properties (such as structural, functional, and spatial information, amino acid conservation, physicochemical variation, residue mobility, and thermodynamic stability) has been performed at Invitae for this missense variant, however the output from this modeling did not meet the statistical confidence thresholds required to predict the impact of this variant on ACTA2 protein function. In summary, the available evidence is currently insufficient to determine the role of this variant in disease. Therefore, it has been classified as a Variant of Uncertain Significance.

NM_001613.4(ACTA2):c.914C>T (p.Thr305Ile)

Genes: ACTA2 (actin alpha 2, smooth muscle; minus strand), ACTA2-AS1 (ACTA2 antisense RNA 1; plus strand). Cytogenetic location: 10q23.31.
Variant type: single nucleotide variant.
Coding change: c.914C>T on transcript NM_001613.4 (MANE Select); coding-DNA position 914, C replaced by T.
Protein change: p.Thr305Ile; replaces threonine 305 with isoleucine.
Molecular consequence: missense variant.
Genome position (GRCh38, 1-based): chr10:88,938,137, G>A on the plus strand (C>T on the coding strand, the complement: ACTA2 is on the minus strand). VCF-style: chr10-88938137-G-A. GRCh37 (hg19) VCF-style: chr10-90697894-G-A.
Other names: c.914C>T, p.Thr305Ile (NM_001141945.3, NM_001320855.2, NM_001406462.1 and 2 more transcripts); c.803C>T, p.Thr268Ile (NM_001406466.1); c.785C>T, p.Thr262Ile (NM_001406467.1, NM_001406468.1, NM_001406469.1); c.722C>T, p.Thr241Ile (NM_001406471.1); short protein forms T241I, T268I, T305I, T262I.
Identifiers: ClinVar variation 2772057 (VCV002772057.3), dbSNP rs2494519206, ClinGen allele CA377510802.
Genomic context (GRCh38, chr10:88,938,137, plus strand): 5'-CTGGGTGCTAGGGCCGTGATCTCCTTCTGCATTCGGTCGGCAATGCCAGGGTACATAGTG[G>A]TGCCCCCTGATAGGACATTGTTAGCATAGAGGTCCTTCCTGATGTCAATATCACACTTCA-3'
Protein context (NP_001604.1, residues 295-315): LYANNVLSGG[Thr305Ile]TMYPGIADRM